The following is an entry in ClinVar:

NM_138459.5(NUS1):c.271G>A (p.Gly91Ser)

Gene: NUS1 (NUS1 dehydrodolichyl diphosphate synthase subunit; plus strand). Cytogenetic location: 6q22.1.
Variant type: single nucleotide variant.
Coding change: c.271G>A on transcript NM_138459.5 (MANE Select); coding-DNA position 271, G replaced by A.
Protein change: p.Gly91Ser; replaces glycine 91 with serine.
Molecular consequence: missense variant.
Genome position (GRCh38, 1-based): chr6:117,675,941, G>A. VCF-style: chr6-117675941-G-A. GRCh37 (hg19) VCF-style: chr6-117997104-G-A.
Other names: c.271G>A (NM_138459.3); short protein forms G91S.
Identifiers: ClinVar variation 1411438 (VCV001411438.8), dbSNP rs779673665, ClinGen allele CA3977082.

ClinVar aggregate classification (germline): Conflicting classifications of pathogenicity. Review status: criteria provided, conflicting classifications (1 of 4 stars). 3 submissions from 3 submitters: Uncertain significance (2); Likely benign (1). Last evaluated 2026-03-13.

Conditions:
Inborn genetic diseases. Identifiers: MedGen C0950123, MeSH D030342.
Congenital disorder of glycosylation, type Iaa. Also called: Congenital disorder of glycosylation, type 1aa. Identifiers: MedGen C4310727, MONDO:0014904, OMIM 617082.

Allele frequency attached by ClinVar (database versions not stated): TOPMed 0.00006; gnomAD 0.00009 and 0.00007; gnomAD exomes 0.00003; ExAC 0.00014.
gnomAD v4.1: 79 of 1,545,702 alleles (0.0051%); highest among the groups gnomAD compares: South Asian, 0.012%; no homozygotes.

Submissions (3):

GeneDx
Classification: Likely benign. Last evaluated: 2026-03-13. Review status: criteria provided, single submitter. Criteria: GeneDx Variant Classification Process June 2021. Collection method: clinical testing. Allele origin: germline.
Comment: See Variant Classification Assertion Criteria.

Labcorp Genetics (formerly Invitae), Labcorp
Classification: Uncertain significance for Congenital disorder of glycosylation, type Iaa. Last evaluated: 2025-11-23. Review status: criteria provided, single submitter. Criteria: Invitae Variant Classification Sherloc (09022015). Collection method: clinical testing. Allele origin: germline.
Comment: This sequence change replaces glycine, which is neutral and non-polar, with serine, which is neutral and polar, at codon 91 of the NUS1 protein (p.Gly91Ser). This variant is present in population databases (rs779673665, gnomAD 0.01%). This variant has not been reported in the literature in individuals affected with NUS1-related conditions. ClinVar contains an entry for this variant (Variation ID: 1411438). An algorithm developed to predict the effect of missense changes on protein structure and function outputs the following: PolyPhen-2: "Benign". The serine amino acid residue is found in multiple mammalian species, which suggests that this missense change does not adversely affect protein function. In summary, the available evidence is currently insufficient to determine the role of this variant in disease. Therefore, it has been classified as a Variant of Uncertain Significance.

Ambry Genetics
Classification: Uncertain significance for Inborn genetic diseases. Last evaluated: 2025-01-26. Review status: criteria provided, single submitter. Criteria: Ambry Variant Classification Scheme 2023. Collection method: clinical testing. Allele origin: germline.